The following is an entry in ClinVar:

ClinVar aggregate classification (germline): Uncertain significance (1 of 4 stars; one submission).

Conditions:
Hereditary cancer-predisposing syndrome. Also called: Neoplastic Syndromes, Hereditary; Tumor predisposition; Hereditary Cancer Syndrome; Hereditary neoplastic syndrome. Identifiers: Orphanet 140162, MedGen C0027672, MeSH D009386, MONDO:0015356.

Submission:

Ambry Genetics
Classification: Uncertain significance for Hereditary cancer-predisposing syndrome. Last evaluated: 2026-06-01. Review status: criteria provided, single submitter. Criteria: Ambry Variant Classification Scheme 2023. Collection method: clinical testing. Allele origin: germline.
Comment: The p.G202V variant (also known as c.605G>T), located in coding exon 2 of the MEN1 gene, results from a G to T substitution at nucleotide position 605. The glycine at codon 202 is replaced by valine, an amino acid with dissimilar properties. This amino acid position is conserved. In addition, this alteration is predicted to be deleterious by in silico analysis. Based on the available evidence, the clinical significance of this variant remains unclear.

NM_001370259.2(MEN1):c.605G>T (p.Gly202Val)

Gene: MEN1 (menin 1; minus strand). Cytogenetic location: 11q13.1.
Variant type: single nucleotide variant.
Coding change: c.605G>T on transcript NM_001370259.2 (MANE Select); coding-DNA position 605, G replaced by T.
Protein change: p.Gly202Val; replaces glycine 202 with valine.
Molecular consequence: missense variant. On other transcripts: intron variant (2).
Genome position (GRCh38, 1-based): chr11:64,807,940, C>A on the plus strand (G>T on the coding strand, the complement: MEN1 is on the minus strand). VCF-style: chr11-64807940-C-A. GRCh37 (hg19) VCF-style: chr11-64575412-C-A.
Other names: c.620G>T, p.Gly207Val (NM_130801.3, NM_130802.3, NM_130803.3 and 5 more transcripts); c.549+56G>T (NM_001370263.2, NM_001370262.2); c.605G>T, p.Gly202Val (NM_001370251.2, NM_001370260.2, NM_001370261.2 and 7 more transcripts); short protein forms G202V, G207V.
Identifiers: ClinVar variation 1751324 (VCV001751324.3), dbSNP rs1941854779, ClinGen allele CA381185458.